The following is an entry in ClinVar:

ClinVar aggregate classification (germline): Uncertain significance (1 of 4 stars; one submission).

Conditions:
Gingival disorder. Also called: Gingival disease. Identifiers: MedGen C0017563, MONDO:0002021.

Submission:

Labcorp Genetics (formerly Invitae), Labcorp
Classification: Uncertain significance for Gingival disorder. Last evaluated: 2022-12-29. Review status: criteria provided, single submitter. Criteria: Invitae Variant Classification Sherloc (09022015). Collection method: clinical testing. Allele origin: germline.
Comment: Algorithms developed to predict the effect of missense changes on protein structure and function (SIFT, PolyPhen-2, Align-GVGD) all suggest that this variant is likely to be tolerated. In summary, the available evidence is currently insufficient to determine the role of this variant in disease. Therefore, it has been classified as a Variant of Uncertain Significance. This variant has not been reported in the literature in individuals affected with FPR1-related conditions. This variant is not present in population databases (gnomAD no frequency). This sequence change replaces methionine, which is neutral and non-polar, with isoleucine, which is neutral and non-polar, at codon 214 of the FPR1 protein (p.Met214Ile).

NM_002029.4(FPR1):c.642G>A (p.Met214Ile)

Gene: FPR1 (formyl peptide receptor 1; minus strand). Cytogenetic location: 19q13.41.
Variant type: single nucleotide variant.
Coding change: c.642G>A on transcript NM_002029.4 (MANE Select); coding-DNA position 642, G replaced by A.
Protein change: p.Met214Ile; replaces methionine 214 with isoleucine.
Molecular consequence: missense variant.
Genome position (GRCh38, 1-based): chr19:51,746,353, C>T on the plus strand (G>A on the coding strand, the complement: FPR1 is on the minus strand). VCF-style: chr19-51746353-C-T. GRCh37 (hg19) VCF-style: chr19-52249606-C-T.
Other names: c.642G>A, p.Met214Ile (NM_001193306.2); short protein forms M214I.
Identifiers: ClinVar variation 2820782 (VCV002820782.3), dbSNP rs2513919953, ClinGen allele CA407117684.
Genomic context (GRCh38, chr19:51,746,353, plus strand): 5'-AATCAAGCCTTGCTTGTGGATCTTGGTGGCAATAAGCCCATAACTGACAGCAACGATGGA[C>T]ATGGGTGCGCTGAAGCCAATGATGAACCGGATGATGCCTCTCACCGTCAACATGGCAACG-3'
Protein context (NP_002020.1, residues 204-224): IRFIIGFSAP[Met214Ile]SIVAVSYGLI